The following is an entry in ClinVar:

NM_000016.6(ACADM):c.1175G>A (p.Arg392Lys)

Gene: ACADM (acyl-CoA dehydrogenase medium chain; plus strand). Cytogenetic location: 1p31.1.
Variant type: single nucleotide variant.
Coding change: c.1175G>A on transcript NM_000016.6 (MANE Select); coding-DNA position 1175, G replaced by A.
Protein change: p.Arg392Lys; replaces arginine 392 with lysine.
Molecular consequence: missense variant.
Genome position (GRCh38, 1-based): chr1:75,761,351, G>A. VCF-style: chr1-75761351-G-A. GRCh37 (hg19) VCF-style: chr1-76227036-G-A.
Other names: c.1187G>A, p.Arg396Lys (NM_001127328.3); c.1067G>A, p.Arg356Lys (NM_001286042.2); c.1274G>A, p.Arg425Lys (NM_001286043.2); c.608G>A, p.Arg203Lys (NM_001286044.2); short protein forms R203K, R356K, R396K, R392K, R425K.
Identifiers: ClinVar variation 1431508 (VCV001431508.8), dbSNP rs2100453846, ClinGen allele CA340818325.

ClinVar aggregate classification (germline): Pathogenic (1 of 4 stars; one submission).

Conditions:
Medium-chain acyl-coenzyme A dehydrogenase deficiency (ACADMD). Also called: ACADM DEFICIENCY; CARNITINE DEFICIENCY SECONDARY TO MEDIUM-CHAIN ACYL-CoA DEHYDROGENASE DEFICIENCY; MCADD; MCADH DEFICIENCY; Medium chain acyl-CoA dehydrogenase deficiency; MCAD Deficiency. Identifiers: Orphanet 42, MedGen C0220710, MONDO:0008721, OMIM 201450.

Allele frequency attached by ClinVar (database versions not stated): gnomAD exomes below 0.00001.
gnomAD v4.1: 2 of 1,613,952 alleles (0.00012%); no homozygotes.

Submission:

Labcorp Genetics (formerly Invitae), Labcorp
Classification: Pathogenic for Medium-chain acyl-coenzyme A dehydrogenase deficiency. Last evaluated: 2020-11-16. Review status: criteria provided, single submitter. Criteria: Invitae Variant Classification Sherloc (09022015). Collection method: clinical testing. Allele origin: germline.
Comment: For these reasons, this variant has been classified as Pathogenic. Advanced modeling of protein sequence and biophysical properties (such as structural, functional, and spatial information, amino acid conservation, physicochemical variation, residue mobility, and thermodynamic stability) performed at Invitae indicates that this missense variant is expected to disrupt ACADM protein function. This variant has been observed in individual(s) with MCAD deficiency (Invitae). In at least one individual the data is consistent with the variant being in trans (on the opposite chromosome) from a pathogenic variant. This variant is not present in population databases (ExAC no frequency). This sequence change replaces arginine with lysine at codon 392 of the ACADM protein (p.Arg392Lys). The arginine residue is highly conserved and there is a small physicochemical difference between arginine and lysine.